The following is an entry in ClinVar:

ClinVar aggregate classification (germline): Uncertain significance (1 of 4 stars; one submission).

Conditions:
Inborn genetic diseases. Identifiers: MedGen C0950123, MeSH D030342.

Submission:

Ambry Genetics
Classification: Uncertain significance for Inborn genetic diseases. Last evaluated: 2024-03-23. Review status: criteria provided, single submitter. Criteria: Ambry Variant Classification Scheme 2023. Collection method: clinical testing. Allele origin: germline.
Comment: The p.K1623R variant (also known as c.4868A>G), located in coding exon 34 of the LRRK2 gene, results from an A to G substitution at nucleotide position 4868. The lysine at codon 1623 is replaced by arginine, an amino acid with highly similar properties. This amino acid position is conserved. In addition, the in silico prediction for this alteration is inconclusive. Based on the available evidence, the clinical significance of this alteration remains unclear.

NM_198578.4(LRRK2):c.4868A>G (p.Lys1623Arg)

Gene: LRRK2 (leucine rich repeat kinase 2; plus strand). Cytogenetic location: 12q12.
Variant type: single nucleotide variant.
Coding change: c.4868A>G on transcript NM_198578.4 (MANE Select); coding-DNA position 4868, A replaced by G.
Protein change: p.Lys1623Arg; replaces lysine 1623 with arginine.
Molecular consequence: missense variant.
Genome position (GRCh38, 1-based): chr12:40,320,028, A>G. VCF-style: chr12-40320028-A-G. GRCh37 (hg19) VCF-style: chr12-40713830-A-G.
Other names: short protein forms K1623R.
Identifiers: ClinVar variation 3291866 (VCV003291866.1).